The following is an entry in ClinVar:

NM_001195263.2(PDZD7):c.367+7A>G

Gene: PDZD7 (PDZ domain containing 7; minus strand). Cytogenetic location: 10q24.31.
Variant type: single nucleotide variant.
Coding change: c.367+7A>G on transcript NM_001195263.2 (MANE Select); 7 bases into the intron after coding-DNA position 367, A replaced by G.
Molecular consequence: intron variant.
Genome position (GRCh38, 1-based): chr10:101,023,921, T>C on the plus strand (A>G on the coding strand, the complement: PDZD7 is on the minus strand). VCF-style: chr10-101023921-T-C. GRCh37 (hg19) VCF-style: chr10-102783678-T-C.
Other names: p.?; c.367+7A>G (NM_024895.5, NM_001351044.2).
Identifiers: ClinVar variation 46211 (VCV000046211.18), dbSNP rs6584410, ClinGen allele CA137883.

ClinVar aggregate classification (germline): Benign. Review status: criteria provided, multiple submitters, no conflicts (2 of 4 stars). 8 submissions from 7 submitters: Benign (8). Last evaluated 2026-02-04.

Conditions:
Hearing loss, autosomal recessive 57. Also called: DEAFNESS, AUTOSOMAL RECESSIVE 57. Identifiers: MedGen C4693893, MONDO:0033201, OMIM 618003.
Usher syndrome type 2C. Also called: Usher syndrome, type 2B; USHER SYNDROME, TYPE IIC. Identifiers: Orphanet 231178, Orphanet 886, MedGen C2931213, MONDO:0011558, OMIM 605472.

Allele frequency attached by ClinVar (database versions not stated): ExAC 0.57770; TOPMed 0.64753; gnomAD exomes 0.58868 and 0.56511; 1000 Genomes Project 30x 0.60556; gnomAD 0.63499 and 0.64290; ESP Exome Variant Server 0.66146; 1000 Genomes Project 0.59605.
gnomAD v4.1: 957,297 of 1,614,028 alleles (59%); highest among the groups gnomAD compares: African/African-American, 80%; 287,387 homozygotes.

Submissions (8):

Labcorp Genetics (formerly Invitae), Labcorp
Classification: Benign. Last evaluated: 2026-02-04. Review status: criteria provided, single submitter. Criteria: Invitae Variant Classification Sherloc (09022015). Collection method: clinical testing. Allele origin: germline.

Genome-Nilou Lab
Classification: Benign for Hearing loss, autosomal recessive 57. Last evaluated: 2021-09-05. Review status: criteria provided, single submitter. Criteria: ACMG Guidelines, 2015. Collection method: clinical testing. Allele origin: germline. Affected: no.

Genome-Nilou Lab
Classification: Benign for Usher syndrome type 2C. Last evaluated: 2021-09-05. Review status: criteria provided, single submitter. Criteria: ACMG Guidelines, 2015. Collection method: clinical testing. Allele origin: germline. Affected: no.

Mayo Clinic Laboratories, Mayo Clinic
Classification: Benign. Last evaluated: 2020-10-02. Review status: criteria provided, single submitter. Criteria: ACMG Guidelines, 2015. Collection method: clinical testing. Allele origin: germline. Observed: 130 variant alleles.

GeneDx
Classification: Benign. Last evaluated: 2018-06-14. Review status: criteria provided, single submitter. Criteria: GeneDx Variant Classification (06012015). Collection method: clinical testing. Allele origin: germline. Affected: yes.
Comment: This variant is considered likely benign or benign based on one or more of the following criteria: it is a conservative change, it occurs at a poorly conserved position in the protein, it is predicted to be benign by multiple in silico algorithms, and/or has population frequency not consistent with disease.

Laboratory for Molecular Medicine, Mass General Brigham Personalized Medicine
Classification: Benign. Last evaluated: 2012-05-07. Review status: criteria provided, single submitter. Criteria: LMM Criteria. Collection method: clinical testing. Allele origin: germline. Observed: 255 variant alleles.
Comment: 367+7A>G in Intron 03 of PDZD7: This variant is not expected to have clinical si gnificance because it is not located within the conserved splice consensus seque nce and has been identified in 40.2% (2823/7020) of European American chromosome s from a broad population by the NHLBI Exome Sequencing Project (dbSNP rs6584410).

Breakthrough Genomics
Classification: Benign. Review status: criteria provided, single submitter. Criteria: ACMG Guidelines, 2015. Collection method: not provided. Allele origin: germline. Inheritance: Autosomal recessive inheritance. Affected: yes.

PreventionGenetics, part of Exact Sciences
Classification: Benign. Review status: criteria provided, single submitter. Criteria: ACMG Guidelines, 2015. Collection method: clinical testing. Allele origin: germline.